The following is an entry in ClinVar:

ClinVar aggregate classification (germline): Uncertain significance (1 of 4 stars; one submission).

Conditions:
Inborn genetic diseases. Identifiers: MedGen C0950123, MeSH D030342.

Submission:

Ambry Genetics
Classification: Uncertain significance for Inborn genetic diseases. Last evaluated: 2025-05-19. Review status: criteria provided, single submitter. Criteria: Ambry Variant Classification Scheme 2023. Collection method: clinical testing. Allele origin: germline.
Comment: The p.A380T variant (also known as c.1138G>A), located in coding exon 12 of the ASXL1 gene, results from a G to A substitution at nucleotide position 1138. The alanine at codon 380 is replaced by threonine, an amino acid with similar properties. This amino acid position is conserved. In addition, this alteration is predicted to be tolerated by in silico analysis. Based on the available evidence, the clinical significance of this variant remains unclear.

NM_015338.6(ASXL1):c.1138G>A (p.Ala380Thr)

Gene: ASXL1 (ASXL transcriptional regulator 1; plus strand). Cytogenetic location: 20q11.21.
Variant type: single nucleotide variant.
Coding change: c.1138G>A on transcript NM_015338.6 (MANE Select); coding-DNA position 1138, G replaced by A.
Protein change: p.Ala380Thr; replaces alanine 380 with threonine.
Molecular consequence: missense variant.
Genome position (GRCh38, 1-based): chr20:32,433,336, G>A. VCF-style: chr20-32433336-G-A. GRCh37 (hg19) VCF-style: chr20-31021139-G-A.
Other names: c.955G>A, p.Ala319Thr (NM_001363734.1); short protein forms A319T, A380T.
Identifiers: ClinVar variation 3957118 (VCV003957118.1).